The following is an entry in ClinVar:

NM_001013630.2(AADACL4):c.647G>A (p.Arg216Gln)

Gene: AADACL4 (arylacetamide deacetylase like 4; plus strand). Cytogenetic location: 1p36.21.
Variant type: single nucleotide variant.
Coding change: c.647G>A on transcript NM_001013630.2 (MANE Select); coding-DNA position 647, G replaced by A.
Protein change: p.Arg216Gln; replaces arginine 216 with glutamine.
Molecular consequence: missense variant.
Genome position (GRCh38, 1-based): chr1:12,666,158, G>A. VCF-style: chr1-12666158-G-A. GRCh37 (hg19) VCF-style: chr1-12726169-G-A.
Other names: short protein forms R216Q.
Identifiers: ClinVar variation 2638258 (VCV002638258.24), dbSNP rs146900669, ClinGen allele CA605042.

ClinVar aggregate classification (germline): Likely benign (1 of 4 stars; one submission).

Allele frequency attached by ClinVar (database versions not stated): 1000 Genomes Project 30x 0.00172; 1000 Genomes Project 0.00180; TOPMed 0.00410; ExAC 0.00437; ESP Exome Variant Server 0.00477; gnomAD 0.00484; gnomAD exomes 0.00635.

Submission:

CeGaT Center for Human Genetics Tuebingen
Classification: Likely benign. Last evaluated: 2023-02-01. Review status: criteria provided, single submitter. Criteria: CeGaT Center For Human Genetics Tuebingen Variant Classification Criteria Version 2. Collection method: clinical testing. Allele origin: germline. Affected: yes. Observed: 1 variant allele.
Comment: AADACL4: BP4, BS2